The following is an entry in ClinVar:

NM_000264.5(PTCH1):c.2566C>T (p.Gln856Ter)

Gene: PTCH1 (patched 1; minus strand). Cytogenetic location: 9q22.32.
Variant type: single nucleotide variant.
Coding change: c.2566C>T on transcript NM_000264.5 (MANE Select); coding-DNA position 2566, C replaced by T.
Protein change: p.Gln856Ter; replaces glutamine 856 with a stop codon.
Molecular consequence: nonsense. On other transcripts: non-coding transcript variant (1).
Genome position (GRCh38, 1-based): chr9:95,461,993, G>A on the plus strand (C>T on the coding strand, the complement: PTCH1 is on the minus strand). VCF-style: chr9-95461993-G-A. GRCh37 (hg19) VCF-style: chr9-98224275-G-A.
Other names: c.2368C>T, p.Gln790Ter (NM_001083602.3); c.2563C>T, p.Gln855Ter (NM_001083603.3); c.2113C>T, p.Gln705Ter (NM_001083604.3, NM_001083605.3, NM_001083606.3 and 1 more transcripts); c.2410C>T, p.Gln804Ter (NM_001354918.2); short protein forms Q856*, Q804*, Q705*, Q790*, Q855*.
Identifiers: ClinVar variation 3427256 (VCV003427256.2).
Genomic context (GRCh38, chr9:95,461,993, plus strand): 5'-CATTCTTGTAATTGTTTGGCATGATTTTCCCGGTTTCCCAGTCACTGTCAAATGCATCCT[G>A]AAGTCCTAGAAATGGCAAATGATTGTAACACATTATAACTCGCAGCCAGAAGGACCCTGG-3'

ClinVar aggregate classification (germline): Pathogenic (1 of 4 stars; one submission).
ClinVar aggregate classification (oncogenicity): Likely oncogenic (1 of 4 stars; one submission).

Conditions:
Hereditary cancer-predisposing syndrome. Also called: Neoplastic Syndromes, Hereditary; Tumor predisposition; Hereditary Cancer Syndrome; Hereditary neoplastic syndrome. Identifiers: Orphanet 140162, MedGen C0027672, MeSH D009386, MONDO:0015356.
Neoplasm. Also called: tumor; Neoplasms; Neoplasm (disease). Identifiers: MedGen C0027651, MeSH D009369, MONDO:0005070, HP:0002664.

Submissions (2):

Center for Genomic Medicine, Rigshospitalet, Copenhagen University Hospital
Classification: Likely oncogenic for Neoplasm. Last evaluated: 2025-12-29. Review status: criteria provided, single submitter. Criteria: ClinGen/CGC/VICC Guidelines for Oncogenicity, 2022. Collection method: clinical testing. Allele origin: somatic. Affected: yes.

Ambry Genetics
Classification: Pathogenic for Hereditary cancer-predisposing syndrome. Last evaluated: 2024-08-11. Review status: criteria provided, single submitter. Criteria: Ambry Variant Classification Scheme 2023. Collection method: clinical testing. Allele origin: germline.
Comment: The p.Q856* pathogenic mutation (also known as c.2566C>T), located in coding exon 16 of the PTCH1 gene, results from a C to T substitution at nucleotide position 2566. This changes the amino acid from a glutamine to a stop codon within coding exon 16. This variant has been observed in at least one individual with a personal and/or family history that is consistent with nevoid basal cell carcinoma syndrome (Ambry internal data). This variant is considered to be rare based on population cohorts in the Genome Aggregation Database (gnomAD). This alteration is expected to result in loss of function by premature protein truncation or nonsense-mediated mRNA decay. As such, this alteration is interpreted as a disease-causing mutation.

Literature cited by the submitters: PubMed 36265746 (cited by Center for Genomic Medicine, Rigshospitalet, Copenhagen University Hospital).